The following is an entry in ClinVar:

ClinVar aggregate classification (germline): Uncertain significance (1 of 4 stars; one submission).

Submission:

Labcorp Genetics (formerly Invitae), Labcorp
Classification: Uncertain significance. Last evaluated: 2024-09-25. Review status: criteria provided, single submitter. Criteria: Invitae Variant Classification Sherloc (09022015). Collection method: clinical testing. Allele origin: germline.
Comment: This sequence change replaces glycine, which is neutral and non-polar, with alanine, which is neutral and non-polar, at codon 191 of the TRRAP protein (p.Gly191Ala). This variant is not present in population databases (gnomAD no frequency). This variant has not been reported in the literature in individuals affected with TRRAP-related conditions. Invitae Evidence Modeling of protein sequence and biophysical properties (such as structural, functional, and spatial information, amino acid conservation, physicochemical variation, residue mobility, and thermodynamic stability) indicates that this missense variant is not expected to disrupt TRRAP protein function with a negative predictive value of 80%. In summary, the available evidence is currently insufficient to determine the role of this variant in disease. Therefore, it has been classified as a Variant of Uncertain Significance.

NM_001375524.1(TRRAP):c.572G>C (p.Gly191Ala)

Gene: TRRAP (transformation/transcription domain associated protein; plus strand). Cytogenetic location: 7q22.1.
Variant type: single nucleotide variant.
Coding change: c.572G>C on transcript NM_001375524.1 (MANE Select); coding-DNA position 572, G replaced by C.
Protein change: p.Gly191Ala; replaces glycine 191 with alanine.
Molecular consequence: missense variant.
Genome position (GRCh38, 1-based): chr7:98,897,805, G>C. VCF-style: chr7-98897805-G-C. GRCh37 (hg19) VCF-style: chr7-98495428-G-C.
Other names: c.572G>C, p.Gly191Ala (NM_001244580.2, NM_003496.4); short protein forms G191A.
Identifiers: ClinVar variation 3667359 (VCV003667359.2).